The following is an entry in ClinVar:

ClinVar aggregate classification (germline): Likely benign. Review status: criteria provided, multiple submitters, no conflicts (2 of 4 stars). 2 submissions from 2 submitters: Likely benign (2). Last evaluated 2018-06-16.

Allele frequency attached by ClinVar (database versions not stated): gnomAD exomes 0.00118; gnomAD 0.00461 and 0.00472; TOPMed 0.00523; 1000 Genomes Project 0.01078; 1000 Genomes Project 30x 0.01109.
gnomAD v4.1: 2,284 of 1,448,106 alleles (0.16%); highest among the groups gnomAD compares: East Asian, 2.2%; 13 homozygotes.

Submissions (2):

GeneDx
Classification: Likely benign. Last evaluated: 2018-06-16. Review status: criteria provided, single submitter. Criteria: GeneDx Variant Classification (06012015). Collection method: clinical testing. Allele origin: germline. Affected: yes.
Comment: This variant is considered likely benign or benign based on one or more of the following criteria: it is a conservative change, it occurs at a poorly conserved position in the protein, it is predicted to be benign by multiple in silico algorithms, and/or has population frequency not consistent with disease.

Breakthrough Genomics
Classification: Likely benign. Review status: criteria provided, single submitter. Criteria: ACMG Guidelines, 2015. Collection method: not provided. Allele origin: germline. Inheritance: Autosomal dominant inheritance. Affected: yes.

NM_004588.5(SCN2B):c.449-78C>T

Gene: SCN2B (sodium voltage-gated channel beta subunit 2; minus strand). Cytogenetic location: 11q23.3.
Variant type: single nucleotide variant.
Coding change: c.449-78C>T on transcript NM_004588.5 (MANE Select); 78 bases into the intron before coding-DNA position 449, C replaced by T.
Molecular consequence: intron variant.
Genome position (GRCh38, 1-based): chr11:118,167,164, G>A on the plus strand (C>T on the coding strand, the complement: SCN2B is on the minus strand). VCF-style: chr11-118167164-G-A. GRCh37 (hg19) VCF-style: chr11-118037879-G-A.
Identifiers: ClinVar variation 679817 (VCV000679817.2), dbSNP rs57973101, ClinGen allele CA229506048.